The following is an entry in ClinVar:

NM_006734.4(HIVEP2):c.1373C>A (p.Pro458Gln)

Gene: HIVEP2 (HIVEP zinc finger 2; minus strand). Cytogenetic location: 6q24.2.
Variant type: single nucleotide variant.
Coding change: c.1373C>A on transcript NM_006734.4 (MANE Select); coding-DNA position 1373, C replaced by A.
Protein change: p.Pro458Gln; replaces proline 458 with glutamine.
Molecular consequence: missense variant.
Genome position (GRCh38, 1-based): chr6:142,773,366, G>T on the plus strand (C>A on the coding strand, the complement: HIVEP2 is on the minus strand). VCF-style: chr6-142773366-G-T. GRCh37 (hg19) VCF-style: chr6-143094503-G-T.
Other names: c.1373C>A, p.Pro458Gln (NM_001438449.1, NM_001438450.1, NM_001438451.1); short protein forms P458Q.
Identifiers: ClinVar variation 4780160 (VCV004780160.1).
Genomic context (GRCh38, chr6:142,773,366, plus strand): 5'-AGCTGTGAAACAGGATCTTCAAACATCTTGACATCTAACCTGGTGTTAACGTGAGGTAAT[G>T]GTTCCATTATGCCCTTCCTACCCATTGCGGCACGCTCCTGACTTGTGGTTGTAACACTGA-3'
Protein context (NP_006725.3, residues 448-468): AAMGRKGIME[Pro458Gln]LPHVNTRLDV

ClinVar aggregate classification (germline): Uncertain significance (1 of 4 stars; one submission).

gnomAD v4.1: 4 of 1,614,024 alleles (0.00025%); highest among the groups gnomAD compares: African/African-American, 0.0053%; no homozygotes.

Submission:

Labcorp Genetics (formerly Invitae), Labcorp
Classification: Uncertain significance. Last evaluated: 2025-09-29. Review status: criteria provided, single submitter. Criteria: Invitae Variant Classification Sherloc (09022015). Collection method: clinical testing. Allele origin: germline.
Comment: This sequence change replaces proline, which is neutral and non-polar, with glutamine, which is neutral and polar, at codon 458 of the HIVEP2 protein (p.Pro458Gln). This variant is not present in population databases (gnomAD no frequency). This variant has not been reported in the literature in individuals affected with HIVEP2-related conditions. Invitae Evidence Modeling of protein sequence and biophysical properties (such as structural, functional, and spatial information, amino acid conservation, physicochemical variation, residue mobility, and thermodynamic stability) indicates that this missense variant is not expected to disrupt HIVEP2 protein function with a negative predictive value of 80%. In summary, the available evidence is currently insufficient to determine the role of this variant in disease. Therefore, it has been classified as a Variant of Uncertain Significance.